The following is an entry in ClinVar:

ClinVar aggregate classification (germline): Benign/Likely benign. Review status: criteria provided, multiple submitters, no conflicts (2 of 4 stars). 3 submissions from 3 submitters: Benign (1); Likely benign (2). Last evaluated 2025-06-09.

Conditions:
Hereditary cancer-predisposing syndrome. Also called: Neoplastic Syndromes, Hereditary; Hereditary Cancer Syndrome; Hereditary neoplastic syndrome; Tumor predisposition. Identifiers: Orphanet 140162, MedGen C0027672, MeSH D009386, MONDO:0015356.
Hereditary leiomyomatosis and renal cell cancer. Also called: Familial leiomyomatosis; Reed syndrome; Multiple cutaneous and uterine leiomyomatosis; Cutaneous leiomyomata with uterine leiomyomata; Leiomyoma, hereditary multiple, of skin; Multiple cutaneous and uterine leiomyomata. Identifiers: Orphanet 523, MedGen C1708350, MONDO:0007888, OMIM 150800, HP:0007437. Disease mechanism: loss of function.

Allele frequency attached by ClinVar (database versions not stated): gnomAD exomes below 0.00001 and 0.00001.

Submissions (3):

Labcorp Genetics (formerly Invitae), Labcorp
Classification: Likely benign. Last evaluated: 2025-06-09. Review status: criteria provided, single submitter. Criteria: Invitae Variant Classification Sherloc (09022015). Collection method: clinical testing. Allele origin: germline.

Myriad Genetics, Inc.
Classification: Benign for Hereditary leiomyomatosis and renal cell cancer. Last evaluated: 2024-10-21. Review status: criteria provided, single submitter. Criteria: Myriad Autosomal Dominant, Autosomal Recessive and X-Linked Classification Criteria (2023). Collection method: clinical testing. Allele origin: unknown.
Comment: This variant is considered benign. This variant is a silent/synonymous amino acid change and it is not expected to impact splicing.

Ambry Genetics
Classification: Likely benign for Hereditary cancer-predisposing syndrome. Last evaluated: 2020-12-02. Review status: criteria provided, single submitter. Criteria: Ambry Variant Classification Scheme 2023. Collection method: clinical testing. Allele origin: germline.

NM_000143.4(FH):c.1092A>G (p.Gly364=)

Gene: FH (fumarate hydratase; minus strand). Cytogenetic location: 1q43.
Variant type: single nucleotide variant.
Coding change: c.1092A>G on transcript NM_000143.4 (MANE Select); coding-DNA position 1092, A replaced by G.
Protein change: p.Gly364=; no amino-acid change (glycine 364 retained).
Molecular consequence: synonymous variant.
Genome position (GRCh38, 1-based): chr1:241,504,058, T>C on the plus strand (A>G on the coding strand, the complement: FH is on the minus strand). VCF-style: chr1-241504058-T-C. GRCh37 (hg19) VCF-style: chr1-241667358-T-C.
Identifiers: ClinVar variation 748095 (VCV000748095.11), dbSNP rs1361977903, ClinGen allele CA424075737.